The following is an entry in ClinVar:

NM_000465.4(BARD1):c.1905G>C (p.Trp635Cys)

Gene: BARD1 (BRCA1 associated RING domain 1; minus strand). Cytogenetic location: 2q35.
Variant type: single nucleotide variant.
Coding change: c.1905G>C on transcript NM_000465.4 (MANE Select); coding-DNA position 1905, G replaced by C.
Protein change: p.Trp635Cys; replaces tryptophan 635 with cysteine.
Molecular consequence: missense variant. On other transcripts: synonymous variant (1), non-coding transcript variant (3).
Genome position (GRCh38, 1-based): chr2:214,730,507, C>G on the plus strand (G>C on the coding strand, the complement: BARD1 is on the minus strand). VCF-style: chr2-214730507-C-G. GRCh37 (hg19) VCF-style: chr2-215595231-C-G.
Other names: c.1848G>C, p.Trp616Cys (NM_001282543.2); c.552G>C, p.Trp184Cys (NM_001282545.2); c.495G>C, p.Trp165Cys (NM_001282548.2); c.366G>C, p.Gly122= (NM_001282549.2); c.1905G>C (NM_000465.2); short protein forms W616C, W165C, W184C, W635C.
Identifiers: ClinVar variation 2838560 (VCV002838560.4), dbSNP rs773223671, ClinGen allele CA350451345.

ClinVar aggregate classification (germline): Uncertain significance. Review status: criteria provided, multiple submitters, no conflicts (2 of 4 stars). 2 submissions from 2 submitters: Uncertain significance (2). Last evaluated 2024-02-12.

Conditions:
Hereditary cancer-predisposing syndrome. Also called: Tumor predisposition; Neoplastic Syndromes, Hereditary; Hereditary Cancer Syndrome; Hereditary neoplastic syndrome. Identifiers: Orphanet 140162, MedGen C0027672, MeSH D009386, MONDO:0015356.
Familial cancer of breast. Also called: hereditary breast carcinoma; BREAST CANCER, FAMILIAL; Hereditary breast cancer. Identifiers: Orphanet 227535, MedGen C0346153, MONDO:0016419, OMIM 114480. Disease mechanism: loss of function.

Allele frequency attached by ClinVar (database versions not stated): gnomAD 0.00001.
gnomAD v4.1: 1 of 1,613,040 alleles (0.000062%); highest among the groups gnomAD compares: Admixed American, 0.0017%; no homozygotes.

Submissions (2):

Ambry Genetics
Classification: Uncertain significance for Hereditary cancer-predisposing syndrome. Last evaluated: 2024-02-12. Review status: criteria provided, single submitter. Criteria: Ambry Variant Classification Scheme 2023. Collection method: clinical testing. Allele origin: germline.
Comment: The p.W635C variant (also known as c.1905G>C), located in coding exon 10 of the BARD1 gene, results from a G to C substitution at nucleotide position 1905. The tryptophan at codon 635 is replaced by cysteine, an amino acid with highly dissimilar properties. This amino acid position is highly conserved in available vertebrate species. In addition, this alteration is predicted to be deleterious by in silico analysis. Based on the available evidence, the clinical significance of this alteration remains unclear.

Labcorp Genetics (formerly Invitae), Labcorp
Classification: Uncertain significance for Familial cancer of breast. Last evaluated: 2023-02-17. Review status: criteria provided, single submitter. Criteria: Invitae Variant Classification Sherloc (09022015). Collection method: clinical testing. Allele origin: germline.
Comment: This sequence change replaces tryptophan, which is neutral and slightly polar, with cysteine, which is neutral and slightly polar, at codon 635 of the BARD1 protein (p.Trp635Cys). This variant is not present in population databases (gnomAD no frequency). This variant has not been reported in the literature in individuals affected with BARD1-related conditions. An algorithm developed to predict the effect of missense changes on protein structure and function (PolyPhen-2) suggests that this variant is likely to be disruptive. In summary, the available evidence is currently insufficient to determine the role of this variant in disease. Therefore, it has been classified as a Variant of Uncertain Significance.